The following is an entry in ClinVar:

ClinVar aggregate classification (germline): Benign (1 of 4 stars; one submission).

Allele frequency attached by ClinVar (database versions not stated): 1000 Genomes Project 0.00120; ExAC 0.00135; gnomAD 0.00724.

Submission:

CeGaT Center for Human Genetics Tuebingen
Classification: Benign. Last evaluated: 2023-12-01. Review status: criteria provided, single submitter. Criteria: CeGaT Center For Human Genetics Tuebingen Variant Classification Criteria Version 2. Collection method: clinical testing. Allele origin: germline. Affected: yes. Observed: 1 variant allele.
Comment: FMN2: BS1, BS2

NM_020066.5(FMN2):c.2864C>T (p.Pro955Leu)

Gene: FMN2 (formin 2; plus strand). Cytogenetic location: 1q43.
Variant type: single nucleotide variant.
Coding change: c.2864C>T on transcript NM_020066.5 (MANE Select); coding-DNA position 2864, C replaced by T.
Protein change: p.Pro955Leu; replaces proline 955 with leucine.
Molecular consequence: missense variant. On other transcripts: intron variant (1).
Genome position (GRCh38, 1-based): chr1:240,207,676, C>T. VCF-style: chr1-240207676-C-T. GRCh37 (hg19) VCF-style: chr1-240370976-C-T.
Other names: c.2876C>T, p.Pro959Leu (NM_001305424.2); c.1986+19414C>T (NM_001348094.2); short protein forms P955L, P959L.
Identifiers: ClinVar variation 3024801 (VCV003024801.22), dbSNP rs562360130, ClinGen allele CA1476828.